The following is an entry in ClinVar:

ClinVar aggregate classification (germline): Uncertain significance (1 of 4 stars; one submission).

Conditions:
Hereditary breast ovarian cancer syndrome. Also called: Breast and ovarian cancer; BRCA1- and BRCA2-Associated Hereditary Breast and Ovarian Cancer; Hereditary breast and ovarian cancer; Hereditary breast and/or ovarian cancer syndrome; Hereditary breast and ovarian cancer syndrome; Hereditary breast and ovarian cancer syndrome (HBOC). Identifiers: Orphanet 145, MedGen C0677776, MeSH D061325, MONDO:0003582. Disease mechanism: loss of function.

Allele frequency attached by ClinVar (database versions not stated): gnomAD 0.00001.

Submission:

Labcorp Genetics (formerly Invitae), Labcorp
Classification: Uncertain significance for Hereditary breast ovarian cancer syndrome. Last evaluated: 2018-12-09. Review status: criteria provided, single submitter. Criteria: Invitae Variant Classification Sherloc (09022015). Collection method: clinical testing. Allele origin: germline.
Comment: In summary, the available evidence is currently insufficient to determine the role of this variant in disease. Therefore, it has been classified as a Variant of Uncertain Significance. Algorithms developed to predict the effect of missense changes on protein structure and function are either unavailable or do not agree on the potential impact of this missense change (SIFT: "Deleterious"; PolyPhen-2: "Benign"; Align-GVGD: "Class C0"). This variant has not been reported in the literature in individuals with BRCA1-related conditions. This variant is not present in population databases (ExAC no frequency). This sequence change replaces methionine with lysine at codon 1400 of the BRCA1 protein (p.Met1400Lys). The methionine residue is highly conserved and there is a moderate physicochemical difference between methionine and lysine.

NM_007294.4(BRCA1):c.4199T>A (p.Met1400Lys)

Gene: BRCA1 (BRCA1 DNA repair associated; minus strand). Cytogenetic location: 17q21.31.
Variant type: single nucleotide variant.
Coding change: c.4199T>A on transcript NM_007294.4 (MANE Select); coding-DNA position 4199, T replaced by A.
Protein change: p.Met1400Lys; replaces methionine 1400 with lysine.
Molecular consequence: missense variant. On other transcripts: non-coding transcript variant (1).
Genome position (GRCh38, 1-based): chr17:43,082,562, A>T on the plus strand (T>A on the coding strand, the complement: BRCA1 is on the minus strand). VCF-style: chr17-43082562-A-T. GRCh37 (hg19) VCF-style: chr17-41234579-A-T.
Other names: c.4196T>A, p.Met1399Lys (NM_001407613.1, NM_001407614.1, NM_001407615.1 and 21 more transcripts); c.746T>A, p.Met249Lys (NM_001408468.1, NM_001408469.1, NM_001408462.1 and 5 more transcripts); c.743T>A, p.Met248Lys (NM_001408470.1); c.887T>A, p.Met296Lys (NM_001408472.1, NM_001408473.1, NM_001407972.1 and 18 more transcripts); c.689T>A, p.Met230Lys (NM_001408474.1, NM_001408476.1); c.686T>A, p.Met229Lys (NM_001408475.1); c.677T>A, p.Met226Lys (NM_001408490.1, NM_001408491.1, NM_001408492.1 and 3 more transcripts); c.650T>A, p.Met217Lys (NM_001408494.1); and 51 more; short protein forms M1353K, M1400K, M297K, M1287K, M1288K, M1310K, M1328K, M1351K.
Identifiers: ClinVar variation 653845 (VCV000653845.10), dbSNP rs80357473, ClinGen allele CA10593324.
Genomic context (GRCh38, chr17:43,082,562, plus strand): 5'-TGTTCTAACACAGCTTCTAGTTCAGCCATTTCCTGCTGGAGCTTTATCAGGTTATGTTGC[A>T]TGGTATCCCTCTGCTTCAAAAACGATAAATGGCACCAAGAAAATGAAATACTTTGAGAAG-3'
Protein context (NP_009225.1, residues 1390-1410): DILTTQQRDT[Met1400Lys]QHNLIKLQQE